The following is an entry in ClinVar:

NM_001083614.2(EARS2):c.949G>T (p.Gly317Cys)

Gene: EARS2 (glutamyl-tRNA synthetase 2, mitochondrial; minus strand). Cytogenetic location: 16p12.2.
Variant type: single nucleotide variant.
Coding change: c.949G>T on transcript NM_001083614.2 (MANE Select); coding-DNA position 949, G replaced by T.
Protein change: p.Gly317Cys; replaces glycine 317 with cysteine.
Molecular consequence: missense variant. On other transcripts: non-coding transcript variant (1).
Genome position (GRCh38, 1-based): chr16:23,534,897, C>A on the plus strand (G>T on the coding strand, the complement: EARS2 is on the minus strand). VCF-style: chr16-23534897-C-A. GRCh37 (hg19) VCF-style: chr16-23546218-C-A.
Other names: c.949G>T, p.Gly317Cys (NM_001308211.1); short protein forms G317C.
Identifiers: ClinVar variation 318550 (VCV000318550.10), dbSNP rs746838793, ClinGen allele CA7962470.

ClinVar aggregate classification (germline): Pathogenic. Review status: criteria provided, multiple submitters, no conflicts (2 of 4 stars). 2 submissions from 2 submitters: Pathogenic (2). Last evaluated 2023-09-19.

Conditions:
EARS2-related disorder. Also called: EARS2-related disorders; EARS2-related condition.

Allele frequency attached by ClinVar (database versions not stated): TOPMed 0.00002; ExAC 0.00012; gnomAD exomes 0.00013.

Submissions (2):

Labcorp Genetics (formerly Invitae), Labcorp
Classification: Pathogenic. Last evaluated: 2023-09-19. Review status: criteria provided, single submitter. Criteria: Invitae Variant Classification Sherloc (09022015). Collection method: clinical testing. Allele origin: germline.
Comment: Advanced modeling of protein sequence and biophysical properties (such as structural, functional, and spatial information, amino acid conservation, physicochemical variation, residue mobility, and thermodynamic stability) performed at Invitae indicates that this missense variant is expected to disrupt EARS2 protein function. For these reasons, this variant has been classified as Pathogenic. ClinVar contains an entry for this variant (Variation ID: 318550). This sequence change replaces glycine, which is neutral and non-polar, with cysteine, which is neutral and slightly polar, at codon 317 of the EARS2 protein (p.Gly317Cys). This variant is present in population databases (rs746838793, gnomAD 0.06%). This missense change has been observed in individual(s) with combined oxidative phosphorylation deficiency (PMID: 22492562, 28973083, 33855712). In at least one individual the data is consistent with being in trans (on the opposite chromosome) from a pathogenic variant.

Blueprint Genetics
Classification: Pathogenic for EARS2-related disorders. Last evaluated: 2022-11-21. Review status: criteria provided, single submitter. Criteria: ACMG Guidelines, 2015. Collection method: clinical testing. Allele origin: germline. Affected: yes. Observed: 2 variant alleles.

Literature cited by the submitters: PubMed 22492562 (cited by Labcorp Genetics (formerly Invitae), Labcorp); PubMed 28973083 (cited by Labcorp Genetics (formerly Invitae), Labcorp); PubMed 33855712 (cited by Labcorp Genetics (formerly Invitae), Labcorp).